The following is an entry in ClinVar:

NM_000080.4(CHRNE):c.436A>G (p.Ser146Gly)

Genes: C17orf107 (chromosome 17 open reading frame 107; plus strand), CHRNE (cholinergic receptor nicotinic epsilon subunit; minus strand). Cytogenetic location: 17p13.2.
Variant type: single nucleotide variant.
Coding change: c.436A>G on transcript NM_000080.4 (MANE Select); coding-DNA position 436, A replaced by G.
Protein change: p.Ser146Gly; replaces serine 146 with glycine.
Molecular consequence: missense variant. On other transcripts: 3 prime UTR variant (1).
Genome position (GRCh38, 1-based): chr17:4,901,996, T>C on the plus strand (A>G on the coding strand, the complement: CHRNE is on the minus strand). VCF-style: chr17-4901996-T-C. GRCh37 (hg19) VCF-style: chr17-4805291-T-C.
Other names: c.*1463T>C (NM_001145536.2); short protein forms S146G.
Identifiers: ClinVar variation 3492604 (VCV003492604.2).

ClinVar aggregate classification (germline): Uncertain significance. Review status: criteria provided, multiple submitters, no conflicts (2 of 4 stars). 2 submissions from 2 submitters: Uncertain significance (2). Last evaluated 2024-12-10.

Conditions:
Inborn genetic diseases. Identifiers: MedGen C0950123, MeSH D030342.
Congenital myasthenic syndrome 4A. Also called: CONGENITAL MYASTHENIC SYNDROME TYPE Ia1; Myasthenic syndrome, congenital, 4a, slow-channel; MYASTHENIC SYNDROME, CONGENITAL, 4A, SLOW-CHANNEL, AUTOSOMAL RECESSIVE. Identifiers: Orphanet 590, MedGen C4225413, MONDO:0011600, OMIM 605809.

Submissions (2):

Ambry Genetics
Classification: Uncertain significance for Inborn genetic diseases. Last evaluated: 2024-12-10. Review status: criteria provided, single submitter. Criteria: Ambry Variant Classification Scheme 2023. Collection method: clinical testing. Allele origin: germline.

Labcorp Genetics (formerly Invitae), Labcorp
Classification: Uncertain significance for Congenital myasthenic syndrome 4A. Last evaluated: 2024-09-29. Review status: criteria provided, single submitter. Criteria: Invitae Variant Classification Sherloc (09022015). Collection method: clinical testing. Allele origin: germline.
Comment: This sequence change replaces serine, which is neutral and polar, with glycine, which is neutral and non-polar, at codon 146 of the CHRNE protein (p.Ser146Gly). This variant is not present in population databases (gnomAD no frequency). This variant has not been reported in the literature in individuals affected with CHRNE-related conditions. Invitae Evidence Modeling of protein sequence and biophysical properties (such as structural, functional, and spatial information, amino acid conservation, physicochemical variation, residue mobility, and thermodynamic stability) indicates that this missense variant is expected to disrupt CHRNE protein function with a positive predictive value of 95%. In summary, the available evidence is currently insufficient to determine the role of this variant in disease. Therefore, it has been classified as a Variant of Uncertain Significance.